The following is an entry in ClinVar:

ClinVar aggregate classification (germline): Conflicting classifications of pathogenicity. Review status: criteria provided, conflicting classifications (1 of 4 stars). 3 submissions from 3 submitters: Uncertain significance (2); Benign (1). Last evaluated 2024-11-14.

Conditions:
Hereditary cancer-predisposing syndrome. Also called: Neoplastic Syndromes, Hereditary; Hereditary Cancer Syndrome; Hereditary neoplastic syndrome; Tumor predisposition. Identifiers: Orphanet 140162, MedGen C0027672, MeSH D009386, MONDO:0015356.
Tuberous sclerosis 2 (TSC2). Identifiers: Orphanet 805, MedGen C1860707, MONDO:0013199, OMIM 613254.

Allele frequency attached by ClinVar (database versions not stated): gnomAD exomes below 0.00001 and 0.00001.
gnomAD v4.1: 9 of 1,612,094 alleles (0.00056%); highest among the groups gnomAD compares: Non-Finnish European, 0.00068%; no homozygotes.

Submissions (3):

Ambry Genetics
Classification: Uncertain significance for Hereditary cancer-predisposing syndrome. Last evaluated: 2024-11-14. Review status: criteria provided, single submitter. Criteria: Ambry Variant Classification Scheme 2023. Collection method: clinical testing. Allele origin: germline.
Comment: The p.V225A variant (also known as c.674T>C), located in coding exon 7 of the TSC2 gene, results from a T to C substitution at nucleotide position 674. The valine at codon 225 is replaced by alanine, an amino acid with similar properties. This amino acid position is highly conserved in available vertebrate species. In addition, this alteration is predicted to be deleterious by in silico analysis. Based on the available evidence, the clinical significance of this variant remains unclear.

Labcorp Genetics (formerly Invitae), Labcorp
Classification: Benign for Tuberous sclerosis 2. Last evaluated: 2024-04-22. Review status: criteria provided, single submitter. Criteria: Invitae Variant Classification Sherloc (09022015). Collection method: clinical testing. Allele origin: germline.

Genome-Nilou Lab
Classification: Uncertain significance for Tuberous sclerosis 2. Last evaluated: 2021-11-07. Review status: criteria provided, single submitter. Criteria: ACMG Guidelines, 2015. Collection method: clinical testing. Allele origin: germline. Affected: no.

NM_000548.5(TSC2):c.674T>C (p.Val225Ala)

Gene: TSC2 (TSC complex subunit 2; plus strand). Cytogenetic location: 16p13.3.
Variant type: single nucleotide variant.
Coding change: c.674T>C on transcript NM_000548.5 (MANE Select); coding-DNA position 674, T replaced by C.
Protein change: p.Val225Ala; replaces valine 225 with alanine.
Molecular consequence: missense variant.
Genome position (GRCh38, 1-based): chr16:2,056,669, T>C. VCF-style: chr16-2056669-T-C. GRCh37 (hg19) VCF-style: chr16-2106670-T-C.
Other names: c.674T>C, p.Val225Ala (NM_001077183.3, NM_001114382.3, NM_001363528.2 and 3 more transcripts); c.563T>C, p.Val188Ala (NM_001318827.2); c.527T>C, p.Val176Ala (NM_001318829.2); c.74T>C, p.Val25Ala (NM_001318831.2); c.707T>C, p.Val236Ala (NM_001318832.2); short protein forms V236A, V225A, V176A, V188A, V25A.
Identifiers: ClinVar variation 826600 (VCV000826600.17), dbSNP rs1437259556, ClinGen allele CA394312473.